The following is an entry in ClinVar:

NM_001318510.2(ACSL4):c.1001C>T (p.Pro334Leu)

Gene: ACSL4 (acyl-CoA synthetase long chain family member 4; minus strand). Cytogenetic location: Xq23.
Variant type: single nucleotide variant.
Coding change: c.1001C>T on transcript NM_001318510.2 (MANE Select); coding-DNA position 1001, C replaced by T.
Protein change: p.Pro334Leu; replaces proline 334 with leucine.
Molecular consequence: missense variant.
Genome position (GRCh38, 1-based): chrX:109,674,403, G>A on the plus strand (C>T on the coding strand, the complement: ACSL4 is on the minus strand). VCF-style: chrX-109674403-G-A. GRCh37 (hg19) VCF-style: chrX-108917632-G-A.
Other names: c.1001C>T (NM_004458.2); c.1124C>T, p.Pro375Leu (NM_001318509.2, NM_022977.3); c.1001C>T, p.Pro334Leu (NM_004458.3); short protein forms P375L, P334L.
Identifiers: ClinVar variation 11566 (VCV000011566.4), dbSNP rs122458139, ClinGen allele CA121576.

ClinVar aggregate classification (germline): Likely pathogenic. Review status: criteria provided, single submitter (1 of 4 stars). 2 submissions from 2 submitters: Likely pathogenic (1). 1 of the submissions does not count toward it. Last evaluated 2025-01-02.

Conditions:
Intellectual developmental disorder, X-linked 63. Also called: MENTAL RETARDATION, X-LINKED 68; Intellectual disability, X-linked 63. Identifiers: Orphanet 777, MedGen C1845672, MONDO:0010313, OMIM 300387.

Allele frequency attached by ClinVar (database versions not stated): gnomAD exomes below 0.00001.
gnomAD v4.1: 2 of 1,199,255 alleles (0.00017%); highest among the groups gnomAD compares: Admixed American, 0.0022%; no homozygotes.

Submissions (2):

GeneDx
Classification: Likely pathogenic. Last evaluated: 2025-01-02. Review status: criteria provided, single submitter. Criteria: GeneDx Variant Classification Process June 2021. Collection method: clinical testing. Allele origin: germline.
Comment: Not observed at significant frequency in large population cohorts (gnomAD); In silico analysis supports that this missense variant has a deleterious effect on protein structure/function; This variant is associated with the following publications: (PMID: 21584729, 12525535)

OMIM
Classification: Pathogenic for INTELLECTUAL DEVELOPMENTAL DISORDER, X-LINKED 63. Last evaluated: 2003-01-01. Review status: no assertion criteria provided. Collection method: literature only. Allele origin: germline. Not counted in ClinVar's aggregate classification.

Literature cited by the submitters: PubMed 12525535 (cited by OMIM).